The following is an entry in ClinVar:

NM_000271.5(NPC1):c.1156A>G (p.Ser386Gly)

Gene: NPC1 (NPC intracellular cholesterol transporter 1; minus strand). Cytogenetic location: 18q11.2.
Variant type: single nucleotide variant.
Coding change: c.1156A>G on transcript NM_000271.5 (MANE Select); coding-DNA position 1156, A replaced by G.
Protein change: p.Ser386Gly; replaces serine 386 with glycine.
Molecular consequence: missense variant.
Genome position (GRCh38, 1-based): chr18:23,556,413, T>C on the plus strand (A>G on the coding strand, the complement: NPC1 is on the minus strand). VCF-style: chr18-23556413-T-C. GRCh37 (hg19) VCF-style: chr18-21136377-T-C.
Other names: short protein forms S386G.
Identifiers: ClinVar variation 553470 (VCV000553470.10), dbSNP rs1192824648, ClinGen allele CA401778011.

ClinVar aggregate classification (germline): Conflicting classifications of pathogenicity. Review status: criteria provided, conflicting classifications (1 of 4 stars). 3 submissions from 3 submitters: Likely pathogenic (1); Uncertain significance (1). 1 of the submissions does not count toward it. Last evaluated 2025-12-09.

Conditions:
Niemann-Pick disease, type C1. Also called: NEUROVISCERAL STORAGE DISEASE WITH VERTICAL SUPRANUCLEAR OPHTHALMOPLEGIA; NIEMANN-PICK DISEASE WITH CHOLESTEROL ESTERIFICATION BLOCK; NIEMANN-PICK DISEASE WITHOUT SPHINGOMYELINASE DEFICIENCY; NIEMANN-PICK DISEASE, CHRONIC NEURONOPATHIC FORM; NIEMANN-PICK DISEASE, VARIANT TYPE C1. Identifiers: Orphanet 646, MedGen C3179455, MONDO:0009757, OMIM 257220.

Allele frequency attached by ClinVar (database versions not stated): gnomAD exomes below 0.00001 and 0.00001; TOPMed below 0.00001.
gnomAD v4.1: 10 of 1,614,160 alleles (0.00062%); highest among the groups gnomAD compares: African/African-American, 0.0027%; no homozygotes.

Submissions (3):

Labcorp Genetics (formerly Invitae), Labcorp
Classification: Likely pathogenic for Niemann-Pick disease, type C1. Last evaluated: 2025-12-09. Review status: criteria provided, single submitter. Criteria: Invitae Variant Classification Sherloc (09022015). Collection method: clinical testing. Allele origin: germline.
Comment: This sequence change replaces serine, which is neutral and polar, with glycine, which is neutral and non-polar, at codon 386 of the NPC1 protein (p.Ser386Gly). This variant is present in population databases (no rsID available, gnomAD 0.007%). This missense change has been observed in individual(s) with Niemann-Pick type C (PMID: 27528516). ClinVar contains an entry for this variant (Variation ID: 553470). Invitae Evidence Modeling of protein sequence and biophysical properties (such as structural, functional, and spatial information, amino acid conservation, physicochemical variation, residue mobility, and thermodynamic stability) indicates that this missense variant is expected to disrupt NPC1 protein function with a positive predictive value of 95%. In summary, the currently available evidence indicates that the variant is pathogenic, but additional data are needed to prove that conclusively. Therefore, this variant has been classified as Likely Pathogenic.

Women's Health and Genetics/Laboratory Corporation of America, LabCorp
Classification: Uncertain significance. Last evaluated: 2025-09-29. Review status: criteria provided, single submitter. Criteria: LabCorp Variant Classification Summary - May 2015. Collection method: clinical testing. Allele origin: germline.
Comment: Variant summary: NPC1 c.1156A>G (p.Ser386Gly) results in a non-conservative amino acid change in the encoded protein sequence. Algorithms developed to predict the effect of missense changes on protein structure and function all suggest that this variant is likely to be disruptive. The variant allele was found at a frequency of 4e-06 in 251252 control chromosomes (gnomAD). The available data on variant occurrences in the general population are insufficient to allow any conclusion about variant significance. c.1156A>G has been reported in the literature in one compound heterozygous individual affected with Niemann-Pick Disease Type C (Marelli_2016). These data do not allow any conclusion about variant significance. To our knowledge, no experimental evidence demonstrating an impact on protein function has been reported. The following publications have been ascertained in the context of this evaluation (PMID: 34234304, 27528516, 30285904). ClinVar contains an entry for this variant (Variation ID: 553470). Based on the evidence outlined above, the variant was classified as uncertain significance.

Counsyl
Classification: Uncertain significance for Niemann-Pick disease, type C1. Last evaluated: 2017-08-25. Review status: no assertion criteria provided. Collection method: clinical testing. Allele origin: unknown. Not counted in ClinVar's aggregate classification.

Literature cited by the submitters: PubMed 27528516 (cited by 3 submitters); PubMed 30285904 (cited by Women's Health and Genetics/Laboratory Corporation of America, LabCorp); PubMed 26944241 (cited by Women's Health and Genetics/Laboratory Corporation of America, LabCorp); PubMed 34234304 (cited by Women's Health and Genetics/Laboratory Corporation of America, LabCorp).